The following is an entry in ClinVar:

NM_001793.6(CDH3):c.349C>A (p.Pro117Thr)

Gene: CDH3 (cadherin 3; plus strand). Cytogenetic location: 16q22.1.
Variant type: single nucleotide variant.
Coding change: c.349C>A on transcript NM_001793.6 (MANE Select); coding-DNA position 349, C replaced by A.
Protein change: p.Pro117Thr; replaces proline 117 with threonine.
Molecular consequence: missense variant.
Genome position (GRCh38, 1-based): chr16:68,678,236, C>A. VCF-style: chr16-68678236-C-A. GRCh37 (hg19) VCF-style: chr16-68712139-C-A.
Other names: c.349C>A, p.Pro117Thr (NM_001317195.3); c.184C>A, p.Pro62Thr (NM_001317196.2); short protein forms P117T, P62T.
Identifiers: ClinVar variation 1380152 (VCV001380152.6), dbSNP rs2152099870, ClinGen allele CA396448742.

ClinVar aggregate classification (germline): Uncertain significance (1 of 4 stars; one submission).

gnomAD v4.1: 2 of 1,614,106 alleles (0.00012%); highest among the groups gnomAD compares: Non-Finnish European, 0.00017%; no homozygotes.

Submission:

Labcorp Genetics (formerly Invitae), Labcorp
Classification: Uncertain significance. Last evaluated: 2022-08-31. Review status: criteria provided, single submitter. Criteria: Invitae Variant Classification Sherloc (09022015). Collection method: clinical testing. Allele origin: germline.
Comment: This sequence change replaces proline with threonine at codon 117 of the CDH3 protein (p.Pro117Thr). The proline residue is moderately conserved and there is a small physicochemical difference between proline and threonine. This variant is not present in population databases (gnomAD no frequency). This variant has not been reported in the literature in individuals affected with CDH3-related conditions. ClinVar contains an entry for this variant (Variation ID: 1380152). Algorithms developed to predict the effect of missense changes on protein structure and function are either unavailable or do not agree on the potential impact of this missense change (SIFT: "Not Available"; PolyPhen-2: "Benign"; Align-GVGD: "Not Available"). In summary, the available evidence is currently insufficient to determine the role of this variant in disease. Therefore, it has been classified as a Variant of Uncertain Significance.